The following is an entry in ClinVar:

ClinVar aggregate classification (germline): Likely benign (0 of 4 stars; one submission).

Conditions:
FBXO2-related disorder. Also called: FBXO2-related condition.

Allele frequency attached by ClinVar (database versions not stated): gnomAD 0.00001.
gnomAD v4.1: 9 of 1,544,874 alleles (0.00058%); highest among the groups gnomAD compares: Middle Eastern, 0.018%; no homozygotes.

Submission:

PreventionGenetics, part of Exact Sciences
Classification: Likely benign for FBXO2-related condition. Last evaluated: 2019-11-26. Review status: no assertion criteria provided. Collection method: clinical testing. Allele origin: germline.
Comment: This variant is classified as likely benign based on ACMG/AMP sequence variant interpretation guidelines (Richards et al. 2015 PMID: 25741868, with internal and published modifications).

NM_012168.6(FBXO2):c.189G>A (p.Pro63=)

Gene: FBXO2 (F-box protein 2; minus strand). Cytogenetic location: 1p36.22.
Variant type: single nucleotide variant.
Coding change: c.189G>A on transcript NM_012168.6 (MANE Select); coding-DNA position 189, G replaced by A.
Protein change: p.Pro63=; no amino-acid change (proline 63 retained).
Molecular consequence: synonymous variant.
Genome position (GRCh38, 1-based): chr1:11,650,668, C>T on the plus strand (G>A on the coding strand, the complement: FBXO2 is on the minus strand). VCF-style: chr1-11650668-C-T. GRCh37 (hg19) VCF-style: chr1-11710725-C-T.
Identifiers: ClinVar variation 3048268 (VCV003048268.2), dbSNP rs767904212, ClinGen allele CA592942.